The following is an entry in ClinVar:

ClinVar aggregate classification (germline): Uncertain significance. Review status: criteria provided, multiple submitters, no conflicts (2 of 4 stars). 4 submissions from 4 submitters: Uncertain significance (4). Last evaluated 2026-08-05.

Conditions:
Cockayne spectrum with or without cerebrooculofacioskeletal syndrome. Identifiers: MedGen CN315928, MONDO:0100506.
DE SANCTIS-CACCHIONE SYNDROME. Identifiers: MedGen C0265201, MONDO:0010217, OMIM 278800.
Cerebrooculofacioskeletal syndrome 1 (COFS1). Also called: Cerebro-oculo-facio-skeletal syndrome 1. Identifiers: MedGen C0220722, MONDO:0008955, OMIM 214150.
Cockayne syndrome type 2 (CSB). Also called: Cockayne Syndrome, Type II; COCKAYNE SYNDROME B. Identifiers: Orphanet 191, Orphanet 90322, MedGen C0751038, MONDO:0019570, OMIM 133540.
UV-sensitive syndrome 1 (UVSS1). Identifiers: Orphanet 178338, MedGen C3551173, MONDO:0010909, OMIM 600630.
Age related macular degeneration 5. Identifiers: MedGen C3151063, MONDO:0013409, OMIM 613761.
Lung cancer. Also called: Lung cancer, somatic; Malignant tumor of lung. Identifiers: MedGen C0242379, MONDO:0008903, OMIM 211980.
Premature ovarian failure 11 (POF11). Identifiers: MedGen C4310783, MONDO:0014843, OMIM 616946.

Allele frequency attached by ClinVar (database versions not stated): TOPMed 0.00009; ESP Exome Variant Server 0.00046.
gnomAD v4.1: 343 of 1,613,664 alleles (0.021%); highest among the groups gnomAD compares: Non-Finnish European, 0.028%; no homozygotes.

Submissions (4):

Myriad Genetics, Inc.
Classification: Uncertain significance for Cockayne spectrum with or without cerebrooculofacioskeletal syndrome. Last evaluated: 2026-08-05. Review status: criteria provided, single submitter. Criteria: Myriad Autosomal Dominant, Autosomal Recessive and X-Linked Classification Criteria (2023). Collection method: clinical testing. Allele origin: unknown.
Comment: NM_000124.2(ERCC6):c.1820A>T(K607M) is a missense variant classified as a variant of uncertain significance in the context of ERCC6-related disorders. K607M has been observed in a case with relevant disease (PMID: 29217584). Relevant functional assessments of this variant are not available in the literature. K607M has been observed in referenced population frequency databases. In summary, there is insufficient evidence to classify NM_000124.2(ERCC6):c.1820A>T(K607M) as pathogenic or benign. Please note: this variant was assessed in the context of healthy population screening.

GeneDx
Classification: Uncertain significance. Last evaluated: 2023-05-30. Review status: criteria provided, single submitter. Criteria: GeneDx Variant Classification Process June 2021. Collection method: clinical testing. Allele origin: germline. Affected: yes.
Comment: A different missense change at this residue p.(K607R) has been reported in the published literature in association with Cockayne syndrome (Handzel and Nadol, 2018); In silico analysis supports that this missense variant has a deleterious effect on protein structure/function; Has not been previously published as pathogenic or benign to our knowledge

Labcorp Genetics (formerly Invitae), Labcorp
Classification: Uncertain significance. Last evaluated: 2022-08-09. Review status: criteria provided, single submitter. Criteria: Invitae Variant Classification Sherloc (09022015). Collection method: clinical testing. Allele origin: germline.
Comment: This sequence change replaces lysine, which is basic and polar, with methionine, which is neutral and non-polar, at codon 607 of the ERCC6 protein (p.Lys607Met). This variant is present in population databases (rs200832611, gnomAD 0.01%). This variant has not been reported in the literature in individuals affected with ERCC6-related conditions. ClinVar contains an entry for this variant (Variation ID: 1214221). Algorithms developed to predict the effect of missense changes on protein structure and function (SIFT, PolyPhen-2, Align-GVGD) all suggest that this variant is likely to be disruptive. Algorithms developed to predict the effect of sequence changes on RNA splicing suggest that this variant may disrupt the consensus splice site. In summary, the available evidence is currently insufficient to determine the role of this variant in disease. Therefore, it has been classified as a Variant of Uncertain Significance.

Fulgent Genetics
Classification: Uncertain significance for Cockayne syndrome type 2; Lung cancer; Cerebrooculofacioskeletal syndrome 1; DE SANCTIS-CACCHIONE SYNDROME; UV-sensitive syndrome 1; Age related macular degeneration 5; Premature ovarian failure 11. Last evaluated: 2021-08-19. Review status: criteria provided, single submitter. Criteria: ACMG Guidelines, 2015. Collection method: clinical testing. Allele origin: unknown.

Literature cited by the submitters: PubMed 29217584 (cited by Myriad Genetics, Inc.).

NM_000124.4(ERCC6):c.1820A>T (p.Lys607Met)

Gene: ERCC6 (ERCC excision repair 6, chromatin remodeling factor; minus strand). Cytogenetic location: 10q11.23.
Variant type: single nucleotide variant.
Coding change: c.1820A>T on transcript NM_000124.4 (MANE Select); coding-DNA position 1820, A replaced by T.
Protein change: p.Lys607Met; replaces lysine 607 with methionine.
Molecular consequence: missense variant.
Genome position (GRCh38, 1-based): chr10:49,493,118, T>A on the plus strand (A>T on the coding strand, the complement: ERCC6 is on the minus strand). VCF-style: chr10-49493118-T-A. GRCh37 (hg19) VCF-style: chr10-50701164-T-A.
Other names: c.1820A>T, p.Lys607Met (NM_001346440.2); short protein forms K607M.
Identifiers: ClinVar variation 1214221 (VCV001214221.10), dbSNP rs200832611, ClinGen allele CA5495857.